The following is an entry in ClinVar:

NM_004168.4(SDHA):c.1352G>C (p.Arg451Pro)

Gene: SDHA (succinate dehydrogenase complex flavoprotein subunit A; plus strand). Cytogenetic location: 5p15.33.
Variant type: single nucleotide variant.
Coding change: c.1352G>C on transcript NM_004168.4 (MANE Select); coding-DNA position 1352, G replaced by C.
Protein change: p.Arg451Pro; replaces arginine 451 with proline.
Molecular consequence: missense variant.
Genome position (GRCh38, 1-based): chr5:236,519, G>C. VCF-style: chr5-236519-G-C. GRCh37 (hg19) VCF-style: chr5-236634-G-C.
Other names: c.1208G>C, p.Arg403Pro (NM_001294332.2); c.1352G>C, p.Arg451Pro (NM_001330758.2); short protein forms R403P, R451P.
Identifiers: ClinVar variation 3223719 (VCV003223719.2), dbSNP rs370690436, ClinGen allele CA359013987.

ClinVar aggregate classification (germline): Uncertain significance. Review status: criteria provided, multiple submitters, no conflicts (2 of 4 stars). 2 submissions from 2 submitters: Uncertain significance (2). Last evaluated 2025-05-04.

Conditions:
Mitochondrial complex II deficiency, nuclear type 1. Also called: SUCCINATE CoQ REDUCTASE DEFICIENCY. Identifiers: Orphanet 3208, MedGen C5700310, MONDO:0100294, OMIM 252011.
Pheochromocytoma/paraganglioma syndrome 5. Also called: Paragangliomas 5; SDHA-Related Hereditary Paraganglioma-Pheochromocytoma Syndrome. Identifiers: Orphanet 29072, MedGen C3279992, MONDO:0013602, OMIM 614165.
Hereditary cancer-predisposing syndrome. Also called: Tumor predisposition; Hereditary Cancer Syndrome; Neoplastic Syndromes, Hereditary; Hereditary neoplastic syndrome. Identifiers: Orphanet 140162, MedGen C0027672, MeSH D009386, MONDO:0015356.

Submissions (2):

Labcorp Genetics (formerly Invitae), Labcorp
Classification: Uncertain significance for Pheochromocytoma/paraganglioma syndrome 5; Mitochondrial complex II deficiency, nuclear type 1. Last evaluated: 2025-05-04. Review status: criteria provided, single submitter. Criteria: Invitae Variant Classification Sherloc (09022015). Collection method: clinical testing. Allele origin: germline.
Comment: This sequence change replaces arginine, which is basic and polar, with proline, which is neutral and non-polar, at codon 451 of the SDHA protein (p.Arg451Pro). This variant is not present in population databases (gnomAD no frequency). This variant has not been reported in the literature in individuals affected with SDHA-related conditions. ClinVar contains an entry for this variant (Variation ID: 3223719). Invitae Evidence Modeling of protein sequence and biophysical properties (such as structural, functional, and spatial information, amino acid conservation, physicochemical variation, residue mobility, and thermodynamic stability) has been performed for this missense variant. However, the output from this modeling did not meet the statistical confidence thresholds required to predict the impact of this variant on SDHA protein function. This variant disrupts the p.Arg451 amino acid residue in SDHA. Other variant(s) that disrupt this residue have been determined to be pathogenic (PMID: 10976639, 27683074). This suggests that this residue is clinically significant, and that variants that disrupt this residue are likely to be disease-causing. In summary, the available evidence is currently insufficient to determine the role of this variant in disease. Therefore, it has been classified as a Variant of Uncertain Significance.

Ambry Genetics
Classification: Uncertain significance for Hereditary cancer-predisposing syndrome. Last evaluated: 2024-01-29. Review status: criteria provided, single submitter. Criteria: Ambry Variant Classification Scheme 2023. Collection method: clinical testing. Allele origin: germline.
Comment: The p.R451P variant (also known as c.1352G>C), located in coding exon 10 of the SDHA gene, results from a G to C substitution at nucleotide position 1352. The arginine at codon 451 is replaced by proline, an amino acid with dissimilar properties. This amino acid position is highly conserved in available vertebrate species. In addition, this alteration is predicted to be deleterious by in silico analysis. Based on the available evidence, the clinical significance of this alteration remains unclear.

Literature cited by the submitters: PubMed 10976639 (cited by Labcorp Genetics (formerly Invitae), Labcorp); PubMed 27683074 (cited by Labcorp Genetics (formerly Invitae), Labcorp).